The following is an entry in ClinVar:

NM_000081.4(LYST):c.6454A>C (p.Ser2152Arg)

Gene: LYST (lysosomal trafficking regulator; minus strand). Cytogenetic location: 1q42.3.
Variant type: single nucleotide variant.
Coding change: c.6454A>C on transcript NM_000081.4 (MANE Select); coding-DNA position 6454, A replaced by C.
Protein change: p.Ser2152Arg; replaces serine 2152 with arginine.
Molecular consequence: missense variant.
Genome position (GRCh38, 1-based): chr1:235,759,399, T>G on the plus strand (A>C on the coding strand, the complement: LYST is on the minus strand). VCF-style: chr1-235759399-T-G. GRCh37 (hg19) VCF-style: chr1-235922699-T-G.
Other names: c.6454A>C, p.Ser2152Arg (NM_001301365.1); c.6454A>C (NM_000081.2); short protein forms S2152R.
Identifiers: ClinVar variation 296386 (VCV000296386.36), dbSNP rs201317160, ClinGen allele CA1466373.

ClinVar aggregate classification (germline): Uncertain significance. Review status: criteria provided, multiple submitters, no conflicts (2 of 4 stars). 10 submissions from 10 submitters: Uncertain significance (10). Last evaluated 2026-06-10.

Conditions:
Inborn genetic diseases. Identifiers: MedGen C0950123, MeSH D030342.
LYST-related disorder. Also called: LYST-related condition.
Chédiak-Higashi syndrome (CHS). Also called: Chediak-Higashi Syndrome. Identifiers: Orphanet 167, MedGen C0007965, MONDO:0008963, OMIM 214500.

Allele frequency attached by ClinVar (database versions not stated): gnomAD exomes 0.00002; ExAC 0.00003; gnomAD 0.00009; TOPMed 0.00009; 1000 Genomes Project 30x 0.00016; 1000 Genomes Project 0.00020.
gnomAD v4.1: 53 of 1,614,136 alleles (0.0033%); highest among the groups gnomAD compares: Middle Eastern, 0.15%; no homozygotes.

Submissions (10):

Women's Health and Genetics/Laboratory Corporation of America, LabCorp
Classification: Uncertain significance. Last evaluated: 2026-06-10. Review status: criteria provided, single submitter. Criteria: LabCorp Variant Classification Summary - May 2015. Collection method: clinical testing. Allele origin: germline.
Comment: Variant summary: LYST c.6454A>C (p.Ser2152Arg) results in a non-conservative amino acid change in the encoded protein sequence. Algorithms developed to predict the effect of missense changes on protein structure and function are either unavailable or do not agree on the potential impact of this missense change. The variant allele was found at a frequency of 1.6e-05 in 251202 control chromosomes. The available data on variant occurrences in the general population are insufficient to allow any conclusion about variant significance. To our knowledge, no occurrence of c.6454A>C in individuals affected with LYST-related conditions and no experimental evidence demonstrating its impact on protein function have been reported. ClinVar contains an entry for this variant (Variation ID: 296386). Based on the evidence outlined above, the variant was classified as uncertain significance.

PreventionGenetics, part of Exact Sciences
Classification: Uncertain significance for LYST-related condition. Last evaluated: 2026-03-09. Review status: criteria provided, single submitter. Criteria: ACMG Guidelines, 2015. Collection method: clinical testing. Allele origin: germline.
Comment: The LYST c.6454A>C variant is predicted to result in the amino acid substitution p.Ser2152Arg. This variant has been reported in an individual with multiple sclerosis (Jafarpour et al. 2022. PubMed ID: 35960392). This variant is reported in 0.016% of alleles in individuals of African descent in gnomAD. At this time, the clinical significance of this variant is uncertain due to the absence of conclusive functional and genetic evidence.

Labcorp Genetics (formerly Invitae), Labcorp
Classification: Uncertain significance for Chédiak-Higashi syndrome. Last evaluated: 2026-01-20. Review status: criteria provided, single submitter. Criteria: Invitae Variant Classification Sherloc (09022015). Collection method: clinical testing. Allele origin: germline.
Comment: This sequence change replaces serine, which is neutral and polar, with arginine, which is basic and polar, at codon 2152 of the LYST protein (p.Ser2152Arg). This variant is present in population databases (rs201317160, gnomAD 0.02%). This variant has not been reported in the literature in individuals affected with LYST-related conditions. ClinVar contains an entry for this variant (Variation ID: 296386). Invitae Evidence Modeling of protein sequence and biophysical properties (such as structural, functional, and spatial information, amino acid conservation, physicochemical variation, residue mobility, and thermodynamic stability) indicates that this missense variant is not expected to disrupt LYST protein function with a negative predictive value of 80%. In summary, the available evidence is currently insufficient to determine the role of this variant in disease. Therefore, it has been classified as a Variant of Uncertain Significance.

CeGaT Center for Human Genetics Tuebingen
Classification: Uncertain significance. Last evaluated: 2024-09-01. Review status: criteria provided, single submitter. Criteria: CeGaT Center For Human Genetics Tuebingen Variant Classification Criteria Version 2. Collection method: clinical testing. Allele origin: germline. Affected: yes. Observed: 1 variant allele.
Comment: LYST: PM2, BP4

Blueprint Genetics
Classification: Uncertain significance. Last evaluated: 2023-06-02. Review status: criteria provided, single submitter. Criteria: ACMG Guidelines, 2015. Collection method: clinical testing. Allele origin: germline.

Revvity Omics, Revvity
Classification: Uncertain significance for Chédiak-Higashi syndrome. Last evaluated: 2021-09-02. Review status: criteria provided, single submitter. Criteria: ACMG Guidelines, 2015. Collection method: clinical testing. Allele origin: germline.

Ambry Genetics
Classification: Uncertain significance for Inborn genetic diseases. Last evaluated: 2021-07-16. Review status: criteria provided, single submitter. Criteria: Ambry Variant Classification Scheme 2023. Collection method: clinical testing. Allele origin: germline.

Fulgent Genetics
Classification: Uncertain significance for Chédiak-Higashi syndrome. Last evaluated: 2021-07-03. Review status: criteria provided, single submitter. Criteria: ACMG Guidelines, 2015. Collection method: clinical testing. Allele origin: unknown.

Broad Center for Mendelian Genomics, Broad Institute of MIT and Harvard
Classification: Uncertain significance for Chédiak-Higashi syndrome. Last evaluated: 2018-12-03. Review status: criteria provided, single submitter. Criteria: ACMG Guidelines, 2015. Collection method: research. Allele origin: germline. Inheritance: Autosomal recessive inheritance. Affected: yes.
Comment: The p.Ser2152Arg variant in LYST has not been previously reported in individuals with Chediak-Higashi syndrome but has been identified in 0.01664% (4/24032) of African chromosomes by the Genome Aggregation Database (gnomAD; dbSNP rs201317160). Although this variant has been seen in the general population, its frequency is low enough to be consistent with a recessive carrier frequency. This variant has also been reported in ClinVar (Variation ID: 296386). Computational prediction tools and conservation analyses suggest that this variant may not impact the protein, though this information is not predictive enough to rule out pathogenicity. In summary, while the clinical significance of the p.Ser2152Arg variant is uncertain, these data suggest that it is more likely to be benign. ACMG/AMP Criteria applied: PM2, BP4 (Richards 2015).

Illumina Laboratory Services, Illumina
Classification: Uncertain significance for Chédiak-Higashi syndrome. Last evaluated: 2018-01-12. Review status: criteria provided, single submitter. Criteria: ICSL Variant Classification Criteria 13 December 2019. Collection method: clinical testing. Allele origin: germline.